The following is an entry in ClinVar:

NM_002691.4(POLD1):c.2564+1G>A

Gene: POLD1 (DNA polymerase delta 1, catalytic subunit; plus strand). Cytogenetic location: 19q13.33.
Variant type: single nucleotide variant.
Coding change: c.2564+1G>A on transcript NM_002691.4 (MANE Select); the canonical splice donor site of the intron after coding-DNA position 2564, G replaced by A.
Molecular consequence: splice donor variant.
Genome position (GRCh38, 1-based): chr19:50,414,991, G>A. VCF-style: chr19-50414991-G-A. GRCh37 (hg19) VCF-style: chr19-50918248-G-A.
Other names: c.2564+1G>A (NM_001256849.1); c.2642+1G>A (NM_001308632.1).
Identifiers: ClinVar variation 1793145 (VCV001793145.3), dbSNP rs2514049307, ClinGen allele CA406985251.

ClinVar aggregate classification (germline): Uncertain significance (1 of 4 stars; one submission).

Conditions:
Hereditary cancer-predisposing syndrome. Also called: Tumor predisposition; Hereditary Cancer Syndrome; Hereditary neoplastic syndrome; Neoplastic Syndromes, Hereditary. Identifiers: Orphanet 140162, MedGen C0027672, MeSH D009386, MONDO:0015356.

Submission:

Ambry Genetics
Classification: Uncertain significance for Hereditary cancer-predisposing syndrome. Last evaluated: 2026-02-17. Review status: criteria provided, single submitter. Criteria: Ambry Variant Classification Scheme 2023. Collection method: clinical testing. Allele origin: germline.
Comment: The c.2564+1G>A intronic variant results from a G to A substitution one nucleotide after coding exon 19 of the POLD1 gene. This nucleotide position is highly conserved in available vertebrate species. In silico splice site analysis predicts that this alteration will weaken the native splice donor site and will result in the creation or strengthening of a novel splice donor site. Variants that disrupt the canonical splice site are expected to cause aberrant splicing, resulting in an abnormal protein or a transcript that is subject to nonsense-mediated mRNA decay. However, loss of function of POLD1 has not been established as a mechanism of disease. Based on the available evidence, the clinical significance of this variant remains unclear.